The following is an entry in ClinVar:

ClinVar aggregate classification (germline): Uncertain significance (1 of 4 stars; one submission).

Conditions:
Autosomal dominant childhood-onset proximal spinal muscular atrophy with contractures (SMALED2A). Also called: SPINAL MUSCULAR ATROPHY, LOWER EXTREMITY-PREDOMINANT, 2A, CHILDHOOD ONSET, AUTOSOMAL DOMINANT; Spinal muscular atrophy, lower extremity-predominant, 2A, autosomal dominant. Identifiers: Orphanet 363447, Orphanet 363454, MedGen C4747715, MONDO:0014121, OMIM 615290.

Allele frequency attached by ClinVar (database versions not stated): ExAC 0.00002; gnomAD exomes 0.00002; gnomAD 0.00003.
gnomAD v4.1: 36 of 1,613,972 alleles (0.0022%); highest among the groups gnomAD compares: South Asian, 0.029%; 1 homozygote.

Submission:

Labcorp Genetics (formerly Invitae), Labcorp
Classification: Uncertain significance for Autosomal dominant childhood-onset proximal spinal muscular atrophy with contractures. Last evaluated: 2023-05-05. Review status: criteria provided, single submitter. Criteria: Invitae Variant Classification Sherloc (09022015). Collection method: clinical testing. Allele origin: germline.
Comment: In summary, the available evidence is currently insufficient to determine the role of this variant in disease. Therefore, it has been classified as a Variant of Uncertain Significance. Advanced modeling of protein sequence and biophysical properties (such as structural, functional, and spatial information, amino acid conservation, physicochemical variation, residue mobility, and thermodynamic stability) performed at Invitae indicates that this missense variant is not expected to disrupt BICD2 protein function. This variant has not been reported in the literature in individuals affected with BICD2-related conditions. This variant is present in population databases (rs778586689, gnomAD 0.02%). This sequence change replaces arginine, which is basic and polar, with histidine, which is basic and polar, at codon 635 of the BICD2 protein (p.Arg635His).

NM_001003800.2(BICD2):c.1904G>A (p.Arg635His)

Gene: BICD2 (BICD cargo adaptor 2; minus strand). Cytogenetic location: 9q22.31.
Variant type: single nucleotide variant.
Coding change: c.1904G>A on transcript NM_001003800.2 (MANE Select); coding-DNA position 1904, G replaced by A.
Protein change: p.Arg635His; replaces arginine 635 with histidine.
Molecular consequence: missense variant.
Genome position (GRCh38, 1-based): chr9:92,718,741, C>T on the plus strand (G>A on the coding strand, the complement: BICD2 is on the minus strand). VCF-style: chr9-92718741-C-T. GRCh37 (hg19) VCF-style: chr9-95481023-C-T.
Other names: c.1904G>A, p.Arg635His (NM_015250.4); short protein forms R635H.
Identifiers: ClinVar variation 2707721 (VCV002707721.3), dbSNP rs778586689, ClinGen allele CA5126456.